The following is an entry in ClinVar:

ClinVar aggregate classification (germline): Uncertain significance (1 of 4 stars; one submission).

Conditions:
Lymphoproliferative syndrome 2 (LPFS2). Also called: CD27 DEFICIENCY; Combined immunodeficiency due to CD27 deficiency. Identifiers: Orphanet 238505, MedGen C3554540, MONDO:0014054, OMIM 615122.

Submission:

Labcorp Genetics (formerly Invitae), Labcorp
Classification: Uncertain significance for Lymphoproliferative syndrome 2. Last evaluated: 2023-11-28. Review status: criteria provided, single submitter. Criteria: Invitae Variant Classification Sherloc (09022015). Collection method: clinical testing. Allele origin: unknown.
Comment: A copy number gain of the genomic region encompassing the full coding sequence of the CD27 gene has been identified. The boundaries of this event are unknown as they extend beyond the assayed region for this gene and therefore may encompass additional genes. As the precise location of this event is unknown, it may be in tandem or it may be located elsewhere in the genome. This variant has not been reported in the literature in individuals affected with CD27-related conditions. In summary, the available evidence is currently insufficient to determine the role of this variant in disease. Therefore, it has been classified as a Variant of Uncertain Significance.

NC_000012.11:g.(?_6438478)_(6950528_?)dup

Genes: ACRBP (acrosin binding protein; minus strand), CD27 (CD27 molecule; plus strand), CD4 (CD4 molecule; plus strand), CHD4 (chromodomain helicase DNA binding protein 4; minus strand), COPS7A (COP9 signalosome subunit 7A; plus strand) and 20 more. Cytogenetic location: 12p13.31.
Variant type: Duplication.
Identifiers: ClinVar variation 3244331 (VCV003244331.1).